The following is an entry in ClinVar:

NM_020800.3(IFT80):c.394A>C (p.Ile132Leu)

Genes: IFT80 (intraflagellar transport 80; minus strand), TRIM59-IFT80 (TRIM59-IFT80 readthrough (NMD candidate); minus strand). Cytogenetic location: 3q25.33.
Variant type: single nucleotide variant.
Coding change: c.394A>C on transcript NM_020800.3 (MANE Select); coding-DNA position 394, A replaced by C.
Protein change: p.Ile132Leu; replaces isoleucine 132 with leucine.
Molecular consequence: missense variant. On other transcripts: non-coding transcript variant (2), 5 prime UTR variant (2).
Genome position (GRCh38, 1-based): chr3:160,375,857, T>G on the plus strand (A>C on the coding strand, the complement: IFT80 is on the minus strand). VCF-style: chr3-160375857-T-G. GRCh37 (hg19) VCF-style: chr3-160093645-T-G.
Other names: c.-18A>C (NM_001190241.2, NM_001190242.2); c.394A>C (NM_020800.2); short protein forms I132L.
Identifiers: ClinVar variation 1422420 (VCV001422420.6), dbSNP rs376849101, ClinGen allele CA2685502.

ClinVar aggregate classification (germline): Uncertain significance. Review status: criteria provided, multiple submitters, no conflicts (2 of 4 stars). 2 submissions from 2 submitters: Uncertain significance (2). Last evaluated 2025-01-06.

Conditions:
Inborn genetic diseases. Identifiers: MedGen C0950123, MeSH D030342.
Jeune thoracic dystrophy. Also called: Short-rib thoracic dysplasia; Infantile thoracic dystrophy; Thoracic pelvic phalangeal dystrophy; Jeune's syndrome; Chondroectodermal dysplasia-like syndrome; Jeune syndrome. Identifiers: Orphanet 474, MedGen C0265275, MONDO:0018770.

Allele frequency attached by ClinVar (database versions not stated): gnomAD 0.00003 and 0.00004; TOPMed 0.00003; gnomAD exomes 0.00004 and 0.00005; ExAC 0.00006; ESP Exome Variant Server 0.00008.
gnomAD v4.1: 72 of 1,610,068 alleles (0.0045%); highest among the groups gnomAD compares: Non-Finnish European, 0.0056%; no homozygotes.

Submissions (2):

Labcorp Genetics (formerly Invitae), Labcorp
Classification: Uncertain significance for Jeune thoracic dystrophy. Last evaluated: 2025-01-06. Review status: criteria provided, single submitter. Criteria: Invitae Variant Classification Sherloc (09022015). Collection method: clinical testing. Allele origin: germline.
Comment: This sequence change replaces isoleucine, which is neutral and non-polar, with leucine, which is neutral and non-polar, at codon 132 of the IFT80 protein (p.Ile132Leu). This variant is present in population databases (rs376849101, gnomAD 0.008%). This variant has not been reported in the literature in individuals affected with IFT80-related conditions. ClinVar contains an entry for this variant (Variation ID: 1422420). Invitae Evidence Modeling of protein sequence and biophysical properties (such as structural, functional, and spatial information, amino acid conservation, physicochemical variation, residue mobility, and thermodynamic stability) indicates that this missense variant is not expected to disrupt IFT80 protein function with a negative predictive value of 80%. In summary, the available evidence is currently insufficient to determine the role of this variant in disease. Therefore, it has been classified as a Variant of Uncertain Significance.

Ambry Genetics
Classification: Uncertain significance for Inborn genetic diseases. Last evaluated: 2024-12-15. Review status: criteria provided, single submitter. Criteria: Ambry Variant Classification Scheme 2023. Collection method: clinical testing. Allele origin: germline.